The following is an entry in ClinVar:

ClinVar aggregate classification (germline): Likely benign. Review status: criteria provided, multiple submitters, no conflicts (2 of 4 stars). 2 submissions from 2 submitters: Likely benign (2). Last evaluated 2025-09-01.

Allele frequency attached by ClinVar (database versions not stated): TOPMed below 0.00001; gnomAD 0.00001; gnomAD exomes 0.00001 and 0.00002; ExAC 0.00002; ESP Exome Variant Server 0.00015.
gnomAD v4.1: 13 of 1,613,712 alleles (0.00081%); highest among the groups gnomAD compares: Admixed American, 0.005%; no homozygotes.

Submissions (2):

CeGaT Center for Human Genetics Tuebingen
Classification: Likely benign. Last evaluated: 2025-09-01. Review status: criteria provided, single submitter. Criteria: CeGaT Center For Human Genetics Tuebingen Variant Classification Criteria Version 2. Collection method: clinical testing. Allele origin: germline. Affected: yes. Observed: 1 variant allele.
Comment: ROR2: BP4, BP7

Labcorp Genetics (formerly Invitae), Labcorp
Classification: Likely benign. Last evaluated: 2024-01-02. Review status: criteria provided, single submitter. Criteria: Invitae Variant Classification Sherloc (09022015). Collection method: clinical testing. Allele origin: germline.

NM_004560.4(ROR2):c.2682T>G (p.Ala894=)

Gene: ROR2 (ROR family WNT receptor 2; minus strand). Cytogenetic location: 9q22.31.
Variant type: single nucleotide variant.
Coding change: c.2682T>G on transcript NM_004560.4 (MANE Select); coding-DNA position 2682, T replaced by G.
Protein change: p.Ala894=; no amino-acid change (alanine 894 retained).
Molecular consequence: synonymous variant.
Genome position (GRCh38, 1-based): chr9:91,723,812, A>C on the plus strand (T>G on the coding strand, the complement: ROR2 is on the minus strand). VCF-style: chr9-91723812-A-C. GRCh37 (hg19) VCF-style: chr9-94486094-A-C.
Identifiers: ClinVar variation 747534 (VCV000747534.14), dbSNP rs146866887, ClinGen allele CA5120336.